The following is an entry in ClinVar:

ClinVar aggregate classification (germline): Uncertain significance (1 of 4 stars; one submission).

Conditions:
Norman-Roberts syndrome (LIS2). Also called: Lissencephaly 2 (Norman-Roberts type). Identifiers: Orphanet 89844, MedGen C0796089, MONDO:0009760, OMIM 257320.
Familial temporal lobe epilepsy 7. Identifiers: Orphanet 101046, MedGen C4225327, MONDO:0014639, OMIM 616436.

Allele frequency attached by ClinVar (database versions not stated): TOPMed below 0.00001; gnomAD exomes 0.00001; ESP Exome Variant Server 0.00008.
gnomAD v4.1: 9 of 1,613,688 alleles (0.00056%); highest among the groups gnomAD compares: Non-Finnish European, 0.00076%; no homozygotes.

Submission:

Labcorp Genetics (formerly Invitae), Labcorp
Classification: Uncertain significance for Familial temporal lobe epilepsy 7; Norman-Roberts syndrome. Last evaluated: 2024-07-21. Review status: criteria provided, single submitter. Criteria: Invitae Variant Classification Sherloc (09022015). Collection method: clinical testing. Allele origin: germline.
Comment: This sequence change replaces glutamic acid, which is acidic and polar, with lysine, which is basic and polar, at codon 250 of the RELN protein (p.Glu250Lys). This variant is not present in population databases (gnomAD no frequency). This variant has not been reported in the literature in individuals affected with RELN-related conditions. ClinVar contains an entry for this variant (Variation ID: 846531). Advanced modeling of protein sequence and biophysical properties (such as structural, functional, and spatial information, amino acid conservation, physicochemical variation, residue mobility, and thermodynamic stability) performed at Invitae indicates that this missense variant is not expected to disrupt RELN protein function with a negative predictive value of 80%. In summary, the available evidence is currently insufficient to determine the role of this variant in disease. Therefore, it has been classified as a Variant of Uncertain Significance.

NM_005045.4(RELN):c.748G>A (p.Glu250Lys)

Gene: RELN (reelin; minus strand). Cytogenetic location: 7q22.1.
Variant type: single nucleotide variant.
Coding change: c.748G>A on transcript NM_005045.4 (MANE Select); coding-DNA position 748, G replaced by A.
Protein change: p.Glu250Lys; replaces glutamic acid 250 with lysine.
Molecular consequence: missense variant.
Genome position (GRCh38, 1-based): chr7:103,728,116, C>T on the plus strand (G>A on the coding strand, the complement: RELN is on the minus strand). VCF-style: chr7-103728116-C-T. GRCh37 (hg19) VCF-style: chr7-103368563-C-T.
Other names: c.748G>A, p.Glu250Lys (NM_173054.3); short protein forms E250K.
Identifiers: ClinVar variation 846531 (VCV000846531.9), dbSNP rs199961531, ClinGen allele CA163886984.